The following is an entry in ClinVar:

NM_000179.3(MSH6):c.4001+5C>A

Gene: MSH6 (mutS homolog 6; plus strand). Cytogenetic location: 2p16.3.
Variant type: single nucleotide variant.
Coding change: c.4001+5C>A on transcript NM_000179.3 (MANE Select); 5 bases into the intron after coding-DNA position 4001, C replaced by A.
Molecular consequence: intron variant.
Genome position (GRCh38, 1-based): chr2:47,806,656, C>A. VCF-style: chr2-47806656-C-A. GRCh37 (hg19) VCF-style: chr2-48033795-C-A.
Other names: c.3095+5C>A (NM_001281493.2, NM_001281494.2); c.3611+5C>A (NM_001281492.2).
Identifiers: ClinVar variation 922406 (VCV000922406.3), dbSNP rs786202305, ClinGen allele CA1139656987.

ClinVar aggregate classification (germline): Uncertain significance (1 of 4 stars; one submission).

Conditions:
Hereditary cancer-predisposing syndrome. Also called: Neoplastic Syndromes, Hereditary; Tumor predisposition; Hereditary Cancer Syndrome; Hereditary neoplastic syndrome. Identifiers: Orphanet 140162, MedGen C0027672, MeSH D009386, MONDO:0015356.

Submission:

Color Diagnostics, LLC DBA Color Health
Classification: Uncertain significance for Hereditary cancer-predisposing syndrome. Last evaluated: 2020-01-15. Review status: criteria provided, single submitter. Criteria: ACMG Guidelines, 2015. Collection method: clinical testing. Allele origin: germline.
Comment: This variant causes a C>A nucleotide substitution at the +5 position of intron 9 of the MSH6 gene. To our knowledge, functional studies have not been performed for this variant. This variant has not been reported in individuals affected with hereditary cancer in the literature. This variant has not been identified in the general population by the Genome Aggregation Database (gnomAD). The available evidence is insufficient to determine the role of this variant in disease conclusively. Therefore, this variant is classified as a Variant of Uncertain Significance.